The following is an entry in ClinVar:

ClinVar aggregate classification (germline): Pathogenic/Likely pathogenic. Review status: criteria provided, multiple submitters, no conflicts (2 of 4 stars). 6 submissions from 6 submitters: Pathogenic (5); Likely pathogenic (1). Last evaluated 2025-10-28.

Conditions:
Cardiovascular phenotype. Identifiers: MedGen CN230736.
Cardiomyopathy (CMYO). Also called: Cardiomyopathies. Identifiers: Orphanet 167848, MedGen C0878544, MONDO:0004994, HP:0001638. Inheritance: Various modes of inheritance.
Hypertrophic cardiomyopathy. Also called: HYPERTROPHIC MYOCARDIOPATHY. Identifiers: Orphanet 217569, MedGen C0007194, MeSH D002312, MONDO:0005045, HP:0001639.

Allele frequency attached by ClinVar (database versions not stated): gnomAD exomes below 0.00001; TOPMed 0.00001.
gnomAD v4.1: 1 of 1,610,666 alleles (0.000062%); highest among the groups gnomAD compares: African/African-American, 0.0013%; no homozygotes.

Submissions (6):

Labcorp Genetics (formerly Invitae), Labcorp
Classification: Pathogenic for Hypertrophic cardiomyopathy. Last evaluated: 2025-10-28. Review status: criteria provided, single submitter. Criteria: Invitae Variant Classification Sherloc (09022015). Collection method: clinical testing. Allele origin: germline.
Comment: This sequence change creates a premature translational stop signal (p.Trp577*) in the MYBPC3 gene. It is expected to result in an absent or disrupted protein product. Loss-of-function variants in MYBPC3 are known to be pathogenic (PMID: 19574547). The frequency data for this variant in the population databases is considered unreliable, as metrics indicate poor data quality at this position in the gnomAD database. This premature translational stop signal has been observed in individual(s) with hypertrophic cardiomyopathy (PMID: 21425739). ClinVar contains an entry for this variant (Variation ID: 180943). For these reasons, this variant has been classified as Pathogenic.

Color Diagnostics, LLC DBA Color Health
Classification: Pathogenic for Cardiomyopathy. Last evaluated: 2025-10-06. Review status: criteria provided, single submitter. Criteria: ACMG Guidelines, 2015. Collection method: clinical testing. Allele origin: germline.
Comment: This variant changes 1 nucleotide in exon 18 of the MYBPC3 gene, creating a premature translation stop signal. This variant is expected to result in an absent or non-functional protein product. This variant has been reported in an individual with hypertrophic cardiomyopathy ((PMID: 38417376). A different nucleotide change (c.1730G>A) with the same protein consequence as this variant has been reported in an individual affected with hypertrophic cardiomyopathy (PMID: 21425739, 22857948). This variant has been identified in 1/1610666 chromosomes in the general population by the Genome Aggregation Database (gnomAD). Loss of MYBPC3 function is a known mechanism of disease. Based on the available evidence, this variant is classified as Pathogenic.

GeneDx
Classification: Pathogenic. Last evaluated: 2025-09-15. Review status: criteria provided, single submitter. Criteria: GeneDx Variant Classification Process June 2021. Collection method: clinical testing. Allele origin: germline. Affected: yes.
Comment: Nonsense variant predicted to result in protein truncation or nonsense mediated decay in a gene for which loss of function is a known mechanism of disease; Not observed at significant frequency in large population cohorts (gnomAD); This variant is associated with the following publications: (PMID: 18488914, 22857948, 21425739, 37466024, 39096151, 38002985, 38642551)

Women's Health and Genetics/Laboratory Corporation of America, LabCorp
Classification: Pathogenic for Cardiomyopathy. Last evaluated: 2025-04-04. Review status: criteria provided, single submitter. Criteria: LabCorp Variant Classification Summary - May 2015. Collection method: clinical testing. Allele origin: germline.
Comment: Variant summary: MYBPC3 c.1731G>A (p.Trp577X) results in a premature termination codon, predicted to cause absence of the protein due to nonsense mediated decay, which is a commonly known mechanism for disease. The variant allele was found at a frequency of 4.1e-06 in 243104 control chromosomes. c.1731G>A has been reported in the literature in individuals affected with Cardiomyopathy (Oktay_2023). These data indicate that the variant may be associated with disease. To our knowledge, no experimental evidence demonstrating an impact on protein function has been reported. The following publication has been ascertained in the context of this evaluation (PMID: 37466024). ClinVar contains an entry for this variant (Variation ID: 180943). Based on the evidence outlined above, the variant was classified as pathogenic.

Ambry Genetics
Classification: Pathogenic for Cardiovascular phenotype. Last evaluated: 2022-03-15. Review status: criteria provided, single submitter. Criteria: Ambry Variant Classification Scheme 2023. Collection method: clinical testing. Allele origin: germline.
Comment: The p.W577* pathogenic mutation (also known as c.1731G>A), located in coding exon 18 of the MYBPC3 gene, results from a G to A substitution at nucleotide position 1731. This changes the amino acid from a tryptophan to a stop codon within coding exon 18. This pathogenic alteration has been reported in hypertrophic cardiomyopathy (HCM) cohorts (Santos S et al. Rev Port Cardiol, 2011 Jan;30:7-18; Brito D et al. Rev Port Cardiol, 2012 Sep;31:577-87). This alteration is expected to result in loss of function by premature protein truncation or nonsense-mediated mRNA decay. As such, this alteration is interpreted as a disease-causing mutation.

CHEO Genetics Diagnostic Laboratory, Children's Hospital of Eastern Ontario
Classification: Likely pathogenic for Cardiomyopathy. Last evaluated: 2018-07-30. Review status: criteria provided, single submitter. Criteria: ACMG Guidelines, 2015. Collection method: clinical testing. Allele origin: germline.

Literature cited by the submitters: PubMed 19574547 (cited by Labcorp Genetics (formerly Invitae), Labcorp); PubMed 21425739 (cited by 3 submitters); PubMed 22857948 (cited by Color Diagnostics, LLC DBA Color Health and Ambry Genetics); PubMed 38417376 (cited by Color Diagnostics, LLC DBA Color Health); PubMed 37466024 (cited by Women's Health and Genetics/Laboratory Corporation of America, LabCorp).

NM_000256.3(MYBPC3):c.1731G>A (p.Trp577Ter)

Gene: MYBPC3 (myosin binding protein C3; minus strand). Cytogenetic location: 11p11.2.
Variant type: single nucleotide variant.
Coding change: c.1731G>A on transcript NM_000256.3 (MANE Select); coding-DNA position 1731, G replaced by A.
Protein change: p.Trp577Ter; replaces tryptophan 577 with a stop codon.
Molecular consequence: nonsense.
Genome position (GRCh38, 1-based): chr11:47,342,050, C>T on the plus strand (G>A on the coding strand, the complement: MYBPC3 is on the minus strand). VCF-style: chr11-47342050-C-T. GRCh37 (hg19) VCF-style: chr11-47363601-C-T.
Other names: p.W577*:TGG>TGA; c.1731G>A, p.Trp577Ter (LRG_386t1); short protein forms W577*.
Identifiers: ClinVar variation 180943 (VCV000180943.17), dbSNP rs730880546, ClinGen allele CA011017.